The following is an entry in ClinVar:

ClinVar aggregate classification (germline): Uncertain significance (1 of 4 stars; one submission).

Allele frequency attached by ClinVar (database versions not stated): gnomAD 0.00008; TOPMed 0.00010.

Submission:

Labcorp Genetics (formerly Invitae), Labcorp
Classification: Uncertain significance. Last evaluated: 2023-07-19. Review status: criteria provided, single submitter. Criteria: Invitae Variant Classification Sherloc (09022015). Collection method: clinical testing. Allele origin: germline.
Comment: In summary, the available evidence is currently insufficient to determine the role of this variant in disease. Therefore, it has been classified as a Variant of Uncertain Significance. Algorithms developed to predict the effect of missense changes on protein structure and function output the following: SIFT: "Not Available"; PolyPhen-2: "Benign"; Align-GVGD: "Not Available". The isoleucine amino acid residue is found in multiple mammalian species, which suggests that this missense change does not adversely affect protein function. ClinVar contains an entry for this variant (Variation ID: 858081). This variant has not been reported in the literature in individuals affected with DTHD1-related conditions. This variant is present in population databases (rs542659542, gnomAD 0.04%). This sequence change replaces valine, which is neutral and non-polar, with isoleucine, which is neutral and non-polar, at codon 471 of the DTHD1 protein (p.Val471Ile).

NM_001170700.3(DTHD1):c.2281G>A (p.Val761Ile)

Gene: DTHD1 (death domain containing 1; plus strand). Cytogenetic location: 4p14.
Variant type: single nucleotide variant.
Coding change: c.2281G>A on transcript NM_001170700.3 (MANE Select); coding-DNA position 2281, G replaced by A.
Protein change: p.Val761Ile; replaces valine 761 with isoleucine.
Molecular consequence: missense variant. On other transcripts: non-coding transcript variant (2).
Genome position (GRCh38, 1-based): chr4:36,316,427, G>A. VCF-style: chr4-36316427-G-A. GRCh37 (hg19) VCF-style: chr4-36318049-G-A.
Other names: c.1411G>A, p.Val471Ile (NM_001136536.5); c.1348G>A, p.Val450Ile (NM_001378435.1); short protein forms V471I, V761I, V450I.
Identifiers: ClinVar variation 858081 (VCV000858081.9), dbSNP rs542659542, ClinGen allele CA2885723.
Genomic context (GRCh38, chr4:36,316,427, plus strand): 5'-ACCATTGTCGTTTATAAAGTACCTAAAGGAAAGATAGTCCCCAACTTGAATCAATCTCTC[G>A]TAATTAATGAAAACCATTCTCAGTTGCCAATTTGCAAATTACCATTGAAATTGCCAAAGG-3'
Protein context (NP_001164171.2, residues 751-771): KIVPNLNQSL[Val761Ile]INENHSQLPI